The following is an entry in ClinVar:

ClinVar aggregate classification (germline): Uncertain significance (1 of 4 stars; one submission).

Conditions:
Beckwith-Wiedemann syndrome (BWS). Also called: Exomphalos macroglossia gigantism syndrome; EMG SYNDROME. Identifiers: Orphanet 116, MedGen C0004903, MONDO:0007534, OMIM 130650.

Submission:

Labcorp Genetics (formerly Invitae), Labcorp
Classification: Uncertain significance for Beckwith-Wiedemann syndrome. Last evaluated: 2024-12-09. Review status: criteria provided, single submitter. Criteria: Invitae Variant Classification Sherloc (09022015). Collection method: clinical testing. Allele origin: germline.
Comment: This sequence change replaces glutamine, which is neutral and polar, with proline, which is neutral and non-polar, at codon 232 of the CDKN1C protein (p.Gln232Pro). This variant is not present in population databases (gnomAD no frequency). This variant has not been reported in the literature in individuals affected with CDKN1C-related conditions. ClinVar contains an entry for this variant (Variation ID: 1350473). Invitae Evidence Modeling of protein sequence and biophysical properties (such as structural, functional, and spatial information, amino acid conservation, physicochemical variation, residue mobility, and thermodynamic stability) indicates that this missense variant is not expected to disrupt CDKN1C protein function with a negative predictive value of 80%. In summary, the available evidence is currently insufficient to determine the role of this variant in disease. Therefore, it has been classified as a Variant of Uncertain Significance.

NM_001122630.2(CDKN1C):c.662A>C (p.Gln221Pro)

Gene: CDKN1C (cyclin dependent kinase inhibitor 1C; minus strand). Cytogenetic location: 11p15.4.
Variant type: single nucleotide variant.
Coding change: c.662A>C on transcript NM_001122630.2 (MANE Select); coding-DNA position 662, A replaced by C.
Protein change: p.Gln221Pro; replaces glutamine 221 with proline.
Molecular consequence: missense variant. On other transcripts: intron variant (1).
Genome position (GRCh38, 1-based): chr11:2,884,795, T>G on the plus strand (A>C on the coding strand, the complement: CDKN1C is on the minus strand). VCF-style: chr11-2884795-T-G. GRCh37 (hg19) VCF-style: chr11-2906025-T-G.
Other names: c.695A>C, p.Gln232Pro (NM_001362474.2, NM_000076.2); c.255+407A>C (NM_001362475.2); c.662A>C, p.Gln221Pro (NM_001122631.2); short protein forms Q221P, Q232P.
Identifiers: ClinVar variation 1350473 (VCV001350473.8), dbSNP rs1848925193, ClinGen allele CA379145840.